The following is an entry in ClinVar:

ClinVar aggregate classification (germline): other (0 of 4 stars; one submission).

Conditions:
Familial colorectal cancer. Identifiers: MedGen CN280943, MONDO:0023113. Disease mechanism: loss of function.

Submission:

Systems Biology Platform Zhejiang California International NanoSystems Institute
Classification: other for Familial colorectal cancer. Review status: no assertion criteria provided. Collection method: not provided. Allele origin: unknown.
ClinVar note: Converted during submission from cancer to other.

NM_000038.6(APC):c.1744-2149T>C

Gene: APC (APC regulator of WNT signaling pathway; plus strand). Cytogenetic location: 5q22.2.
Variant type: single nucleotide variant.
Coding change: c.1744-2149T>C on transcript NM_000038.6 (MANE Select); 2149 bases into the intron before coding-DNA position 1744, T replaced by C.
Molecular consequence: intron variant.
Genome position (GRCh38, 1-based): chr5:112,832,802, T>C. VCF-style: chr5-112832802-T-C. GRCh37 (hg19) VCF-style: chr5-112168499-T-C.
Other names: c.1744-2149T>C (NM_001354895.2, NM_001127510.3); c.1774-2149T>C (NM_001354897.2); c.1471-2149T>C (NM_001354902.2); c.1690-2149T>C (NM_001127511.3); c.1669-2149T>C (NM_001354898.2); c.1366-2149T>C (NM_001354904.2); c.895-2149T>C (NM_001354906.2); c.1798-2149T>C (NM_001354896.2); and 5 more.
Identifiers: ClinVar variation 83192 (VCV000083192.2), dbSNP rs75560534, ClinGen allele CA005809.
Genomic context (GRCh38, chr5:112,832,802, plus strand): 5'-AGAGCTGTTCTCCTCCATGAAATATTTGATTGATTTGATTAAATTCAGGGTGTAATAGTT[T>C]TTTCTTTGGAGCACTTTGTTTCATGTATATTTTTGTATCTTTTTTTCCCCCCAAAGCAAA-3'